The following is an entry in ClinVar:

ClinVar aggregate classification (germline): Conflicting classifications of pathogenicity. Review status: criteria provided, conflicting classifications (1 of 4 stars). 8 submissions from 8 submitters: Uncertain significance (2); Benign (1); Likely benign (4). 1 of the submissions does not count toward it. Last evaluated 2026-02-03.

Conditions:
CC2D2A-related disorder. Also called: CC2D2A-related disorders; CC2D2A-related condition. Identifiers: MedGen CN239313.
Joubert syndrome. Also called: Familial aplasia of the vermis; JOUBERT-BOLTSHAUSER SYNDROME. Identifiers: Orphanet 475, MedGen C5979921, MONDO:0018772.
Meckel-Gruber syndrome. Also called: Dysencephalia splachnocystica; DYSENCEPHALIA SPLANCHNOCYSTICA; GRUBER SYNDROME. Identifiers: Orphanet 564, MedGen C0265215, MONDO:0018921.

Allele frequency attached by ClinVar (database versions not stated): gnomAD exomes 0.00008 and 0.00018; ExAC 0.00029; 1000 Genomes Project 0.00040; 1000 Genomes Project 30x 0.00062; ESP Exome Variant Server 0.00069; gnomAD 0.00079 and 0.00080; TOPMed 0.00082.
gnomAD v4.1: 249 of 1,604,168 alleles (0.016%); highest among the groups gnomAD compares: African/African-American, 0.27%; no homozygotes.

Submissions (8):

Labcorp Genetics (formerly Invitae), Labcorp
Classification: Benign for Joubert syndrome; Meckel-Gruber syndrome. Last evaluated: 2026-02-03. Review status: criteria provided, single submitter. Criteria: Invitae Variant Classification Sherloc (09022015). Collection method: clinical testing. Allele origin: germline.

CeGaT Center for Human Genetics Tuebingen
Classification: Likely benign. Last evaluated: 2025-12-01. Review status: criteria provided, single submitter. Criteria: CeGaT Center For Human Genetics Tuebingen Variant Classification Criteria Version 2. Collection method: clinical testing. Allele origin: germline. Affected: yes. Observed: 1 variant allele.
Comment: CC2D2A: BP4, BP7

Mayo Clinic Laboratories, Mayo Clinic
Classification: Likely benign. Last evaluated: 2025-10-09. Review status: criteria provided, single submitter. Criteria: ACMG Guidelines, 2015. Collection method: clinical testing. Allele origin: germline. Observed: 3 variant alleles.
Comment: BP4, BP7

Blueprint Genetics
Classification: Likely benign. Last evaluated: 2024-11-14. Review status: criteria provided, single submitter. Criteria: ACMG Guidelines, 2015. Collection method: clinical testing. Allele origin: germline.

Revvity Omics, Revvity
Classification: Uncertain significance. Last evaluated: 2021-05-17. Review status: criteria provided, single submitter. Criteria: ACMG Guidelines, 2015. Collection method: clinical testing. Allele origin: germline.

GeneDx
Classification: Likely benign. Last evaluated: 2020-07-08. Review status: criteria provided, single submitter. Criteria: GeneDx Variant Classification Process June 2021. Collection method: clinical testing. Allele origin: germline. Affected: yes.

Eurofins Ntd Llc (ga)
Classification: Uncertain significance. Last evaluated: 2017-08-17. Review status: criteria provided, single submitter. Criteria: EGL Classification Definitions 2015. Collection method: clinical testing. Allele origin: germline. Observed: 9 variant alleles, 9 heterozygotes.

PreventionGenetics, part of Exact Sciences
Classification: Likely benign for CC2D2A-related condition. Last evaluated: 2023-01-19. Review status: no assertion criteria provided. Collection method: clinical testing. Allele origin: germline. Not counted in ClinVar's aggregate classification.
Comment: This variant is classified as likely benign based on ACMG/AMP sequence variant interpretation guidelines (Richards et al. 2015 PMID: 25741868, with internal and published modifications).

NM_001378615.1(CC2D2A):c.1956G>A (p.Pro652=)

Genes: CC2D2A (coiled-coil and C2 domain containing 2A; plus strand), FBXL5 (F-box and leucine rich repeat protein 5; minus strand). Cytogenetic location: 4p15.32.
Variant type: single nucleotide variant.
Coding change: c.1956G>A on transcript NM_001378615.1 (MANE Select); coding-DNA position 1956, G replaced by A.
Protein change: p.Pro652=; no amino-acid change (proline 652 retained).
Molecular consequence: synonymous variant.
Genome position (GRCh38, 1-based): chr4:15,538,090, G>A. VCF-style: chr4-15538090-G-A. GRCh37 (hg19) VCF-style: chr4-15539713-G-A.
Other names: p.Pro652=; c.1956G>A, p.Pro652= (NM_001080522.2); c.1809G>A, p.Pro603= (NM_001378617.1).
Identifiers: ClinVar variation 288559 (VCV000288559.31), dbSNP rs375131519, ClinGen allele CA2863805.
Genomic context (GRCh38, chr4:15,538,090, plus strand): 5'-GGAGGTGAGGGAGAGAGCAGCCCAGAGCAGGAGGAGGCCTTGGGAGCCCACGCTGGTCCC[G>A]GAGCTAAGCCTGGCAGGAAGCGTAACACCCAATGACCAGTGCCCCAGGTGAGTGGATGCT-3'
Protein context (NP_001365544.1, residues 642-662): RRRPWEPTLV[Pro652=]ELSLAGSVTP